The following is an entry in ClinVar:

ClinVar aggregate classification (germline): Uncertain significance (1 of 4 stars; one submission).

Conditions:
ARID2-related disorder. Also called: ARID2-related condition.

Submission:

PreventionGenetics, part of Exact Sciences
Classification: Uncertain significance for ARID2-related condition. Last evaluated: 2025-10-31. Review status: criteria provided, single submitter. Criteria: ACMG Guidelines, 2015. Collection method: clinical testing. Allele origin: germline.
Comment: The ARID2 c.1586A>G variant is predicted to result in the amino acid substitution p.Asn529Ser. To our knowledge, this variant has not been reported in the literature or in a large population database (gnomAD), indicating this variant is rare. At this time, the clinical significance of this variant is uncertain due to the absence of conclusive functional and genetic evidence.

NM_152641.4(ARID2):c.1586A>G (p.Asn529Ser)

Gene: ARID2 (AT-rich interaction domain 2; plus strand). Cytogenetic location: 12q12.
Variant type: single nucleotide variant.
Coding change: c.1586A>G on transcript NM_152641.4 (MANE Select); coding-DNA position 1586, A replaced by G.
Protein change: p.Asn529Ser; replaces asparagine 529 with serine.
Molecular consequence: missense variant.
Genome position (GRCh38, 1-based): chr12:45,848,841, A>G. VCF-style: chr12-45848841-A-G. GRCh37 (hg19) VCF-style: chr12-46242624-A-G.
Other names: c.1586A>G, p.Asn529Ser (NM_001347839.2); short protein forms N529S.
Identifiers: ClinVar variation 4986480 (VCV004986480.1).
Genomic context (GRCh38, chr12:45,848,841, plus strand): 5'-AATATGGAGTTTCCTAGAGTATATTGTATAATGCTTAATTTTTCTCCTCTTTTAGGCTAA[A>G]TGCTCATTTTGAAGTAAATCCAGATTGTTCTGTTTCTCGAGCAGAAATGTATTCTGAATA-3'
Protein context (NP_689854.2, residues 519-539): DSEKFACQWL[Asn529Ser]AHFEVNPDCS